The following is an entry in ClinVar:

ClinVar aggregate classification (germline): Uncertain significance (1 of 4 stars; one submission).

Conditions:
Huntington disease-like 1 (HDL1). Also called: PRION DISEASE, EARLY-ONSET, WITH PROMINENT PSYCHIATRIC FEATURES; HUNTINGTON-LIKE NEURODEGENERATIVE DISORDER 1; HUNTINGTON-LIKE NEURODEGENERATIVE DISORDER, AUTOSOMAL DOMINANT. Identifiers: Orphanet 157941, MedGen C1864112, MONDO:0011299, OMIM 603218.

gnomAD v4.1: 35 of 1,613,982 alleles (0.0022%); highest among the groups gnomAD compares: Admixed American, 0.055%; no homozygotes.

Submission:

Labcorp Genetics (formerly Invitae), Labcorp
Classification: Uncertain significance for Huntington disease-like 1. Last evaluated: 2026-01-26. Review status: criteria provided, single submitter. Criteria: Invitae Variant Classification Sherloc (09022015). Collection method: clinical testing. Allele origin: germline.
Comment: This sequence change replaces arginine, which is basic and polar, with serine, which is neutral and polar, at codon 136 of the PRNP protein (p.Arg136Ser). This variant is present in population databases (rs146315846, gnomAD 0.03%). This missense change has been observed in individuals with Gerstmann-Sträussler-Scheinker syndrome (PMID: 34663460). ClinVar contains an entry for this variant (Variation ID: 1503725). Invitae Evidence Modeling of protein sequence and biophysical properties (such as structural, functional, and spatial information, amino acid conservation, physicochemical variation, residue mobility, and thermodynamic stability) indicates that this missense variant is not expected to disrupt PRNP protein function with a negative predictive value of 80%. Experimental studies have shown that this missense change does not substantially affect PRNP function (PMID: 34663460). In summary, the available evidence is currently insufficient to determine the role of this variant in disease. Therefore, it has been classified as a Variant of Uncertain Significance.

Literature cited by the submitters: PubMed 34663460.

NM_000311.5(PRNP):c.408G>T (p.Arg136Ser)

Gene: PRNP (prion protein (Kanno blood group); plus strand). Cytogenetic location: 20p13.
Variant type: single nucleotide variant.
Coding change: c.408G>T on transcript NM_000311.5 (MANE Select); coding-DNA position 408, G replaced by T.
Protein change: p.Arg136Ser; replaces arginine 136 with serine.
Molecular consequence: missense variant. On other transcripts: 3 prime UTR variant (1).
Genome position (GRCh38, 1-based): chr20:4,699,628, G>T. VCF-style: chr20-4699628-G-T. GRCh37 (hg19) VCF-style: chr20-4680274-G-T.
Other names: c.408G>T, p.Arg136Ser (NM_001080121.3, NM_001080122.3, NM_001080123.3 and 1 more transcripts); c.*97G>T (NM_001271561.3); short protein forms R136S.
Identifiers: ClinVar variation 1503725 (VCV001503725.6), dbSNP rs146315846, ClinGen allele CA9752067.